The following is an entry in ClinVar:

ClinVar aggregate classification (germline): Pathogenic/Likely pathogenic. Review status: criteria provided, multiple submitters, no conflicts (2 of 4 stars). 6 submissions from 6 submitters: Pathogenic (2); Likely pathogenic (4). Last evaluated 2025-07-28.

Conditions:
Hereditary breast ovarian cancer syndrome. Also called: Hereditary breast and ovarian cancer syndrome; Hereditary breast and ovarian cancer; Hereditary breast and ovarian cancer syndrome (HBOC); Breast and ovarian cancer; Hereditary breast and/or ovarian cancer syndrome; BRCA1- and BRCA2-Associated Hereditary Breast and Ovarian Cancer. Identifiers: Orphanet 145, MedGen C0677776, MeSH D061325, MONDO:0003582. Disease mechanism: loss of function.
Hereditary cancer-predisposing syndrome. Also called: Neoplastic Syndromes, Hereditary; Tumor predisposition; Hereditary neoplastic syndrome; Hereditary Cancer Syndrome. Identifiers: Orphanet 140162, MedGen C0027672, MeSH D009386, MONDO:0015356.
Breast-ovarian cancer, familial, susceptibility to, 2 (BROVCA2). Also called: BRCA2 Hereditary Breast and Ovarian Cancer. Identifiers: Orphanet 145, MedGen C2675520, MONDO:0012933, OMIM 612555. Disease mechanism: loss of function.

Submissions (6):

Ambry Genetics
Classification: Likely pathogenic for Hereditary cancer-predisposing syndrome. Last evaluated: 2025-07-28. Review status: criteria provided, single submitter. Criteria: Ambry Variant Classification Scheme 2023. Collection method: clinical testing. Allele origin: germline.
Comment: The c.681+4A>G intronic variant results from an A to G substitution 4 nucleotides after coding exon 7 in the BRCA2 gene. This nucleotide position is highly conserved in available vertebrate species. In silico splice site analysis predicts that this alteration will weaken the native splice donor site and will result in the creation or strengthening of a novel splice donor site. Splicing studies from both human lymphoblastoid cell lines and minigene show that this variant results in use of the predicted alternate donor site leading to a frameshift with predicted premature truncation (Houdayer C et al. Hum. Mutat., 2012 Aug;33:1228-38; Fraile-Bethencourt E et al. J. Pathol., 2019 Aug;248:409-420). In addition, internal RNA studies have demonstrated that this alteration results in abnormal splicing in the set of samples tested (Ambry internal data). This variant is considered to be rare based on population cohorts in the Genome Aggregation Database (gnomAD). Based on the majority of available evidence to date, this variant is likely to be pathogenic.

Labcorp Genetics (formerly Invitae), Labcorp
Classification: Likely pathogenic for Hereditary breast ovarian cancer syndrome. Last evaluated: 2025-05-21. Review status: criteria provided, single submitter. Criteria: Invitae Variant Classification Sherloc (09022015). Collection method: clinical testing. Allele origin: germline.
Comment: This sequence change falls in intron 8 of the BRCA2 gene. It does not directly change the encoded amino acid sequence of the BRCA2 protein. RNA analysis indicates that this variant induces altered splicing and may result in an absent or altered protein product. This variant is not present in population databases (gnomAD no frequency). This variant has been observed in individual(s) with personal and/or family history of breast cancer (PMID: 22762150, 29446198). This variant is also known as IVS8+4A>G. ClinVar contains an entry for this variant (Variation ID: 52193). Variants that disrupt the consensus splice site are a relatively common cause of aberrant splicing (PMID: 17576681, 9536098). Studies have shown that this variant alters mRNA splicing and is expected to lead to the loss of protein expression (PMID: 22505045, 30883759). In summary, the currently available evidence indicates that the variant is pathogenic, but additional data are needed to prove that conclusively. Therefore, this variant has been classified as Likely Pathogenic.

Quest Diagnostics Nichols Institute San Juan Capistrano
Classification: Likely pathogenic. Last evaluated: 2024-05-11. Review status: criteria provided, single submitter. Criteria: Quest Diagnostics criteria. Collection method: clinical testing. Allele origin: unknown.
Comment: The BRCA2 c.681+4A>G variant has been reported in the published literature in at least one individual with personal and/or family history of breast cancer (PMIDs: 22762150 (2012)). Splicing studies predict an alternate donor site leads to a frameshift with premature truncation, resulting in loss of protein expression (PMIDs:30883759 (2019), 26913838 (2016), and 22505045 (2012)). This variant has not been reported in large, multi-ethnic general populations (Genome Aggregation Database). Analysis of this variant using software algorithms for the prediction of the effect of nucleotide changes on splicing yielded predictions that this variant may affect proper BRCA2 mRNA splicing. Based on the available information, this variant is classified as likely pathogenic.

Color Diagnostics, LLC DBA Color Health
Classification: Likely pathogenic for Hereditary cancer-predisposing syndrome. Last evaluated: 2019-10-29. Review status: criteria provided, single submitter. Criteria: ACMG Guidelines, 2015. Collection method: clinical testing. Allele origin: germline.
Comment: This variant causes an A>G nucleotide substitution at the +4 position of intron 8 of the BRCA2 gene. This variant may cause an intronic cryptic donor be used which inserted 4 nucleotides downstream from 5′ splice site shown in RNA extracted from patient derived lymphoblastoid cell lines and minigene assay (PMID: 22505045, 30883759). This variant has been reported in at least 1 individual underwent genetic testing for BRCA1 and BRCA2 based on individual and/or family history (PMID: 22505045) and two individuals with breast cancer and/or ovarian cancer in UMD database. This variant has not been identified in the general population by the Genome Aggregation Database (gnomAD). Loss of BRCA2 function is a known mechanism of disease. Based on the available evidence, this variant is classified as Likely Pathogenic.

Women's Health and Genetics/Laboratory Corporation of America, LabCorp
Classification: Pathogenic for Hereditary breast and ovarian cancer syndrome. Last evaluated: 2019-04-09. Review status: criteria provided, single submitter. Criteria: LabCorp Variant Classification Summary - May 2015. Collection method: clinical testing. Allele origin: germline.
Comment: Variant summary: BRCA2 c.681+4A>G alters a conserved nucleotide located close to a canonical splice site and therefore could affect mRNA splicing, leading to a significantly altered protein sequence. Several computational tools predict a significant impact on normal splicing: Four predict the variant abolishes/weakens a 5' donor site. Four predict the variant strengthens a cryptic intronic 5 donor site. These predictions were confirmed by experimental evidence demonstrating the variant to improve an intronic cryptic donor site resulting in the insertion of 4 nucleotides which causes a frameshift (p.N228Vfs*11) (Fraile-Bethencourt_2019, Houdayer_2012). The variant was absent in 237674 control chromosomes (gnomAD). c.681+4A>G has been reported in the literature in individuals affected with Hereditary Breast and Ovarian Cancer (Rebbeck_2018). These data indicate that the variant is likely associated with disease. Two ClinVar submissions from clinical diagnostic laboratories (evaluation after 2014) cite the variant as pathogenic (1x) and once as uncertain significance. Based on the evidence outlined above, the variant was classified as pathogenic.

Consortium of Investigators of Modifiers of BRCA1/2 (CIMBA), c/o University of Cambridge
Classification: Pathogenic for Breast-ovarian cancer, familial, susceptibility to, 2. Last evaluated: 2015-10-02. Review status: criteria provided, single submitter. Criteria: CIMBA Mutation Classification guidelines May 2016. Collection method: clinical testing. Allele origin: germline.

Literature cited by the submitters: PubMed 21965345 (cited by Ambry Genetics); PubMed 22505045 (cited by 4 submitters); PubMed 22762150 (cited by 4 submitters); PubMed 30883759 (cited by 4 submitters); PubMed 29446198 (cited by 3 submitters); PubMed 17576681 (cited by Labcorp Genetics (formerly Invitae), Labcorp); PubMed 9536098 (cited by Labcorp Genetics (formerly Invitae), Labcorp); PubMed 26913838 (cited by Quest Diagnostics Nichols Institute San Juan Capistrano and Women's Health and Genetics/Laboratory Corporation of America, LabCorp); PubMed 25504618 (cited by Women's Health and Genetics/Laboratory Corporation of America, LabCorp).

NM_000059.4(BRCA2):c.681+4A>G

Gene: BRCA2 (BRCA2 DNA repair associated; plus strand). Cytogenetic location: 13q13.1.
Variant type: single nucleotide variant.
Coding change: c.681+4A>G on transcript NM_000059.4 (MANE Select); 4 bases into the intron after coding-DNA position 681, A replaced by G.
Molecular consequence: intron variant.
Genome position (GRCh38, 1-based): chr13:32,329,496, A>G. VCF-style: chr13-32329496-A-G. GRCh37 (hg19) VCF-style: chr13-32903633-A-G.
Identifiers: ClinVar variation 52193 (VCV000052193.24), dbSNP rs397507884, ClinGen allele CA024432.